The following is an entry in ClinVar:

ClinVar aggregate classification (germline): Uncertain significance. Review status: criteria provided, multiple submitters, no conflicts (2 of 4 stars). 2 submissions from 2 submitters: Uncertain significance (2). Last evaluated 2025-02-04.

Conditions:
Inborn genetic diseases. Identifiers: MedGen C0950123, MeSH D030342.

gnomAD v4.1: 5 of 1,612,940 alleles (0.00031%); highest among the groups gnomAD compares: Admixed American, 0.0033%; no homozygotes.

Submissions (2):

Ambry Genetics
Classification: Uncertain significance for Inborn genetic diseases. Last evaluated: 2025-02-04. Review status: criteria provided, single submitter. Criteria: Ambry Variant Classification Scheme 2023. Collection method: clinical testing. Allele origin: germline.

Labcorp Genetics (formerly Invitae), Labcorp
Classification: Uncertain significance. Last evaluated: 2024-07-15. Review status: criteria provided, single submitter. Criteria: Invitae Variant Classification Sherloc (09022015). Collection method: clinical testing. Allele origin: germline.
Comment: This sequence change replaces glycine, which is neutral and non-polar, with aspartic acid, which is acidic and polar, at codon 2018 of the PCNT protein (p.Gly2018Asp). This variant is present in population databases (rs755572010, gnomAD 0.003%). This variant has not been reported in the literature in individuals affected with PCNT-related conditions. An algorithm developed to predict the effect of missense changes on protein structure and function outputs the following: PolyPhen-2: "Probably Damaging". The aspartic acid amino acid residue is found in multiple mammalian species, which suggests that this missense change does not adversely affect protein function. In summary, the available evidence is currently insufficient to determine the role of this variant in disease. Therefore, it has been classified as a Variant of Uncertain Significance.

NM_006031.6(PCNT):c.6053G>A (p.Gly2018Asp)

Gene: PCNT (pericentrin; plus strand). Cytogenetic location: 21q22.3.
Variant type: single nucleotide variant.
Coding change: c.6053G>A on transcript NM_006031.6 (MANE Select); coding-DNA position 6053, G replaced by A.
Protein change: p.Gly2018Asp; replaces glycine 2018 with aspartic acid.
Molecular consequence: missense variant.
Genome position (GRCh38, 1-based): chr21:46,412,895, G>A. VCF-style: chr21-46412895-G-A. GRCh37 (hg19) VCF-style: chr21-47832809-G-A.
Other names: c.5699G>A, p.Gly1900Asp (NM_001315529.2); c.6053G>A (NM_006031.5); short protein forms G2018D, G1900D.
Identifiers: ClinVar variation 3687545 (VCV003687545.3).